The following is an entry in ClinVar:

ClinVar aggregate classification (germline): Uncertain significance (1 of 4 stars; one submission).

Conditions:
Neurofibromatosis, type 1 (NF1). Also called: VON RECKLINGHAUSEN DISEASE; NEUROFIBROMATOSIS, TYPE I, SOMATIC; Peripheral type neurofibromatosis; Neurofibromatosis, type I. Identifiers: Orphanet 636, MedGen C0027831, MONDO:0018975, OMIM 162200. Disease mechanism: loss of function.

Submission:

Labcorp Genetics (formerly Invitae), Labcorp
Classification: Uncertain significance for Neurofibromatosis, type 1. Last evaluated: 2024-12-23. Review status: criteria provided, single submitter. Criteria: Invitae Variant Classification Sherloc (09022015). Collection method: clinical testing. Allele origin: germline.
Comment: This sequence change replaces aspartic acid, which is acidic and polar, with valine, which is neutral and non-polar, at codon 229 of the NF1 protein (p.Asp229Val). This variant is not present in population databases (gnomAD no frequency). This variant has not been reported in the literature in individuals affected with NF1-related conditions. ClinVar contains an entry for this variant (Variation ID: 2755832). Invitae Evidence Modeling of protein sequence and biophysical properties (such as structural, functional, and spatial information, amino acid conservation, physicochemical variation, residue mobility, and thermodynamic stability) indicates that this missense variant is expected to disrupt NF1 protein function with a positive predictive value of 95%. In summary, the available evidence is currently insufficient to determine the role of this variant in disease. Therefore, it has been classified as a Variant of Uncertain Significance.

NM_001042492.3(NF1):c.686A>T (p.Asp229Val)

Gene: NF1 (neurofibromin 1; plus strand). Cytogenetic location: 17q11.2.
Variant type: single nucleotide variant.
Coding change: c.686A>T on transcript NM_001042492.3 (MANE Select); coding-DNA position 686, A replaced by T.
Protein change: p.Asp229Val; replaces aspartic acid 229 with valine.
Molecular consequence: missense variant.
Genome position (GRCh38, 1-based): chr17:31,181,741, A>T. VCF-style: chr17-31181741-A-T. GRCh37 (hg19) VCF-style: chr17-29508759-A-T.
Other names: c.686A>T, p.Asp229Val (NM_000267.4, NM_001128147.3); short protein forms D229V.
Identifiers: ClinVar variation 2755832 (VCV002755832.3), dbSNP rs1060500285, ClinGen allele CA398989925.